The following is an entry in ClinVar:

NM_018026.4(PACS1):c.1068C>T (p.Arg356=)

Gene: PACS1 (phosphofurin acidic cluster sorting protein 1; plus strand). Cytogenetic location: 11q13.2.
Variant type: single nucleotide variant.
Coding change: c.1068C>T on transcript NM_018026.4 (MANE Select); coding-DNA position 1068, C replaced by T.
Protein change: p.Arg356=; no amino-acid change (arginine 356 retained).
Molecular consequence: synonymous variant.
Genome position (GRCh38, 1-based): chr11:66,220,660, C>T. VCF-style: chr11-66220660-C-T. GRCh37 (hg19) VCF-style: chr11-65988131-C-T.
Identifiers: ClinVar variation 1782435 (VCV001782435.11), dbSNP rs781528506, ClinGen allele CA6116476.

ClinVar aggregate classification (germline): Likely benign. Review status: criteria provided, multiple submitters, no conflicts (2 of 4 stars). 5 submissions from 5 submitters: Likely benign (5). Last evaluated 2026-05-01.

Conditions:
Schuurs-Hoeijmakers syndrome. Also called: PACS1-Related Neurodevelopmental Disorder. Identifiers: Orphanet 329224, MedGen C3554343, MONDO:0014006, OMIM 615009.
Inborn genetic diseases. Identifiers: MedGen C0950123, MeSH D030342.

Allele frequency attached by ClinVar (database versions not stated): ExAC 0.00001; gnomAD exomes 0.00001; gnomAD 0.00003; TOPMed 0.00003.
gnomAD v4.1: 25 of 1,614,008 alleles (0.0015%); highest among the groups gnomAD compares: African/African-American, 0.004%; no homozygotes.

Submissions (5):

CeGaT Center for Human Genetics Tuebingen
Classification: Likely benign. Last evaluated: 2026-05-01. Review status: criteria provided, single submitter. Criteria: CeGaT Center For Human Genetics Tuebingen Variant Classification Criteria Version 2. Collection method: clinical testing. Allele origin: germline. Affected: yes. Observed: 1 variant allele.
Comment: PACS1: BP4, BP7

Labcorp Genetics (formerly Invitae), Labcorp
Classification: Likely benign for Schuurs-Hoeijmakers syndrome. Last evaluated: 2025-10-24. Review status: criteria provided, single submitter. Criteria: Invitae Variant Classification Sherloc (09022015). Collection method: clinical testing. Allele origin: germline.

Women's Health and Genetics/Laboratory Corporation of America, LabCorp
Classification: Likely benign. Last evaluated: 2024-04-24. Review status: criteria provided, single submitter. Criteria: LabCorp Variant Classification Summary - May 2015. Collection method: clinical testing. Allele origin: germline.

Blueprint Genetics
Classification: Likely benign. Last evaluated: 2023-04-18. Review status: criteria provided, single submitter. Criteria: ACMG Guidelines, 2015. Collection method: clinical testing. Allele origin: germline.

Ambry Genetics
Classification: Likely benign for Inborn genetic diseases. Last evaluated: 2018-02-27. Review status: criteria provided, single submitter. Criteria: Ambry Variant Classification Scheme 2023. Collection method: clinical testing. Allele origin: germline.